The following is an entry in ClinVar:

NM_014846.4(WASHC5):c.1859T>G (p.Val620Gly)

Gene: WASHC5 (WASH complex subunit 5; minus strand). Cytogenetic location: 8q24.13.
Variant type: single nucleotide variant.
Coding change: c.1859T>G on transcript NM_014846.4 (MANE Select); coding-DNA position 1859, T replaced by G.
Protein change: p.Val620Gly; replaces valine 620 with glycine.
Molecular consequence: missense variant.
Genome position (GRCh38, 1-based): chr8:125,057,572, A>C on the plus strand (T>G on the coding strand, the complement: WASHC5 is on the minus strand). VCF-style: chr8-125057572-A-C. GRCh37 (hg19) VCF-style: chr8-126069814-A-C.
Other names: c.1415T>G, p.Val472Gly (NM_001330609.2); short protein forms V472G, V620G.
Identifiers: ClinVar variation 1256226 (VCV001256226.2), dbSNP rs2130089105, ClinGen allele CA372191269.

ClinVar aggregate classification (germline): Uncertain significance (1 of 4 stars; one submission).

Submission:

Athena Diagnostics
Classification: Uncertain significance. Last evaluated: 2022-12-11. Review status: criteria provided, single submitter. Criteria: Athena Diagnostics Criteria. Collection method: clinical testing. Allele origin: unknown.
Comment: Available data are insufficient to determine the clinical significance of the variant at this time. This variant has not been reported in large, multi-ethnic general populations. Computational tools predict that this variant is damaging.